The following is an entry in ClinVar:

ClinVar aggregate classification (germline): Uncertain significance. Review status: criteria provided, multiple submitters, no conflicts (2 of 4 stars). 2 submissions from 2 submitters: Uncertain significance (2). Last evaluated 2021-09-05.

Allele frequency attached by ClinVar (database versions not stated): gnomAD exomes below 0.00001.
gnomAD v4.1: 3 of 1,612,308 alleles (0.00019%); highest among the groups gnomAD compares: Non-Finnish European, 0.00025%; no homozygotes.

Submissions (2):

Labcorp Genetics (formerly Invitae), Labcorp
Classification: Uncertain significance. Last evaluated: 2021-09-05. Review status: criteria provided, single submitter. Criteria: Invitae Variant Classification Sherloc (09022015). Collection method: clinical testing. Allele origin: germline.
Comment: This sequence change replaces glutamine with arginine at codon 220 of the USH2A protein (p.Gln220Arg). The glutamine residue is highly conserved and there is a small physicochemical difference between glutamine and arginine. This variant is not present in population databases (ExAC no frequency). This variant has not been reported in the literature in individuals affected with USH2A-related conditions. Algorithms developed to predict the effect of missense changes on protein structure and function output the following: SIFT: "Tolerated"; PolyPhen-2: "Benign"; Align-GVGD: "Class C0". The arginine amino acid residue is found in multiple mammalian species, which suggests that this missense change does not adversely affect protein function. In summary, the available evidence is currently insufficient to determine the role of this variant in disease. Therefore, it has been classified as a Variant of Uncertain Significance.

Blueprint Genetics
Classification: Uncertain significance. Last evaluated: 2018-05-04. Review status: criteria provided, single submitter. Criteria: ACMG Guidelines, 2015. Collection method: clinical testing. Allele origin: germline.

NM_206933.4(USH2A):c.659A>G (p.Gln220Arg)

Gene: USH2A (usherin; minus strand). Cytogenetic location: 1q41.
Variant type: single nucleotide variant.
Coding change: c.659A>G on transcript NM_206933.4 (MANE Select); coding-DNA position 659, A replaced by G.
Protein change: p.Gln220Arg; replaces glutamine 220 with arginine.
Molecular consequence: missense variant.
Genome position (GRCh38, 1-based): chr1:216,365,078, T>C on the plus strand (A>G on the coding strand, the complement: USH2A is on the minus strand). VCF-style: chr1-216365078-T-C. GRCh37 (hg19) VCF-style: chr1-216538420-T-C.
Other names: c.659A>G, p.Gln220Arg (NM_007123.6); short protein forms Q220R.
Identifiers: ClinVar variation 1379799 (VCV001379799.4), dbSNP rs1302699517, ClinGen allele CA344908761.
Genomic context (GRCh38, chr1:216,365,078, plus strand): 5'-CTTGCATTGAAAGGTGTATGATCCTTCTCCACGCCATTGATAAAGAAGCTGATTTTTGTC[T>C]GATGCACCTGTAAGAAATTACCACCATTATTAGTTTAAGTGCATAAACTTTTATTTTATA-3'
Protein context (NP_996816.3, residues 210-230): KWIHLSVQVH[Gln220Arg]TKISFFINGV